The following is an entry in ClinVar:

ClinVar aggregate classification (germline): Uncertain significance. Review status: criteria provided, multiple submitters, no conflicts (2 of 4 stars). 2 submissions from 2 submitters: Uncertain significance (2). Last evaluated 2025-05-14.

Conditions:
DICER1-related tumor predisposition. Also called: DICER1-related pleuropulmonary blastoma cancer predisposition syndrome; DICER1 syndrome. Identifiers: Orphanet 284343, MedGen C3839822, MONDO:0100216.
Hereditary cancer-predisposing syndrome. Also called: Hereditary Cancer Syndrome; Neoplastic Syndromes, Hereditary; Hereditary neoplastic syndrome; Tumor predisposition. Identifiers: Orphanet 140162, MedGen C0027672, MeSH D009386, MONDO:0015356.

gnomAD v4.1: 2 of 1,614,070 alleles (0.00012%); highest among the groups gnomAD compares: Non-Finnish European, 0.00017%; no homozygotes.

Submissions (2):

Ambry Genetics
Classification: Uncertain significance for Hereditary cancer-predisposing syndrome. Last evaluated: 2025-05-14. Review status: criteria provided, single submitter. Criteria: Ambry Variant Classification Scheme 2023. Collection method: clinical testing. Allele origin: germline.
Comment: The p.D953H variant (also known as c.2857G>C), located in coding exon 17 of the DICER1 gene, results from a G to C substitution at nucleotide position 2857. The aspartic acid at codon 953 is replaced by histidine, an amino acid with similar properties. This amino acid position is highly conserved in available vertebrate species. In addition, the in silico prediction for this alteration is inconclusive. Based on the available evidence, the clinical significance of this variant remains unclear.

Labcorp Genetics (formerly Invitae), Labcorp
Classification: Uncertain significance for DICER1-related tumor predisposition. Last evaluated: 2022-05-05. Review status: criteria provided, single submitter. Criteria: Invitae Variant Classification Sherloc (09022015). Collection method: clinical testing. Allele origin: germline.
Comment: This sequence change replaces aspartic acid, which is acidic and polar, with histidine, which is basic and polar, at codon 953 of the DICER1 protein (p.Asp953His). This variant is not present in population databases (gnomAD no frequency). This variant has not been reported in the literature in individuals affected with DICER1-related conditions. ClinVar contains an entry for this variant (Variation ID: 821904). Algorithms developed to predict the effect of missense changes on protein structure and function are either unavailable or do not agree on the potential impact of this missense change (SIFT: "Tolerated"; PolyPhen-2: "Probably Damaging"; Align-GVGD: "Class C0"). In summary, the available evidence is currently insufficient to determine the role of this variant in disease. Therefore, it has been classified as a Variant of Uncertain Significance.

NM_177438.3(DICER1):c.2857G>C (p.Asp953His)

Gene: DICER1 (dicer 1, ribonuclease III; minus strand). Cytogenetic location: 14q32.13.
Variant type: single nucleotide variant.
Coding change: c.2857G>C on transcript NM_177438.3 (MANE Select); coding-DNA position 2857, G replaced by C.
Protein change: p.Asp953His; replaces aspartic acid 953 with histidine.
Molecular consequence: missense variant.
Genome position (GRCh38, 1-based): chr14:95,106,171, C>G on the plus strand (G>C on the coding strand, the complement: DICER1 is on the minus strand). VCF-style: chr14-95106171-C-G. GRCh37 (hg19) VCF-style: chr14-95572508-C-G.
Other names: c.2857G>C, p.Asp953His (NM_001195573.1, NM_001271282.3, NM_001291628.2 and 1 more transcripts); short protein forms D953H.
Identifiers: ClinVar variation 821904 (VCV000821904.15), dbSNP rs745810853, ClinGen allele CA390879136.